The following is an entry in ClinVar:

NM_005559.4(LAMA1):c.3400G>T (p.Glu1134Ter)

Gene: LAMA1 (laminin subunit alpha 1; minus strand). Cytogenetic location: 18p11.31.
Variant type: single nucleotide variant.
Coding change: c.3400G>T on transcript NM_005559.4 (MANE Select); coding-DNA position 3400, G replaced by T.
Protein change: p.Glu1134Ter; replaces glutamic acid 1134 with a stop codon.
Molecular consequence: nonsense.
Genome position (GRCh38, 1-based): chr18:7,012,102, C>A on the plus strand (G>T on the coding strand, the complement: LAMA1 is on the minus strand). VCF-style: chr18-7012102-C-A. GRCh37 (hg19) VCF-style: chr18-7012101-C-A.
Other names: short protein forms E1134*.
Identifiers: ClinVar variation 4280040 (VCV004280040.1).

ClinVar aggregate classification (germline): Likely pathogenic (1 of 4 stars; one submission).

Conditions:
Ataxia - intellectual disability - oculomotor apraxia - cerebellar cysts syndrome. Also called: Poretti-Boltshauser syndrome. Identifiers: Orphanet 370022, MedGen C4014821, MONDO:0014419, OMIM 615960.

Submission:

Johns Hopkins Genomics, Johns Hopkins University
Classification: Likely pathogenic for Ataxia - intellectual disability - oculomotor apraxia - cerebellar cysts syndrome. Last evaluated: 2024-08-09. Review status: criteria provided, single submitter. Criteria: ACMG Guidelines, 2015. Collection method: clinical testing. Allele origin: germline.
Comment: This LAMA1 variant is absent from a large population dataset and has not been reported in ClinVar nor the literature, to our knowledge. This nonsense variant in exon 24 of 63 results in a premature termination codon (PTC) likely leading to nonsense-mediated decay and lack of protein production. We consider c.3400G>T to be likely pathogenic for autosomal recessive Poretti-Boltshauser syndrome.

Literature cited by the submitters: PubMed 24013853; PubMed 25105227; PubMed 35616092; PubMed 36592689.